The following is an entry in ClinVar:

ClinVar aggregate classification (germline): Uncertain significance (1 of 4 stars; one submission).

Conditions:
Hereditary cancer-predisposing syndrome. Also called: Neoplastic Syndromes, Hereditary; Hereditary Cancer Syndrome; Hereditary neoplastic syndrome; Tumor predisposition. Identifiers: Orphanet 140162, MedGen C0027672, MeSH D009386, MONDO:0015356.

Allele frequency attached by ClinVar (database versions not stated): gnomAD exomes below 0.00001.
gnomAD v4.1: 1 of 1,613,686 alleles (0.000062%); highest among the groups gnomAD compares: Non-Finnish European, 0.000085%; no homozygotes.

Submission:

Ambry Genetics
Classification: Uncertain significance for Hereditary cancer-predisposing syndrome. Last evaluated: 2023-05-10. Review status: criteria provided, single submitter. Criteria: Ambry Variant Classification Scheme 2023. Collection method: clinical testing. Allele origin: germline.
Comment: The c.2325+3A>G intronic variant results from an A to G substitution 3 nucleotides after coding exon 22 in the RB1 gene. This nucleotide position is well conserved in available vertebrate species. In silico splice site analysis predicts that this alteration may weaken the native splice donor site and may result in the creation or strengthening of a novel splice donor site. RNA studies have demonstrated that this alteration results in an incomplete splice defect; the clinical impact of this abnormal splicing is unknown at this time (Ambry internal data). Since supporting evidence is limited at this time, the clinical significance of this alteration remains unclear.

NM_000321.3(RB1):c.2325+3A>G

Gene: RB1 (RB transcriptional corepressor 1; plus strand). Cytogenetic location: 13q14.2.
Variant type: single nucleotide variant.
Coding change: c.2325+3A>G on transcript NM_000321.3 (MANE Select); 3 bases into the intron after coding-DNA position 2325, A replaced by G.
Molecular consequence: intron variant.
Genome position (GRCh38, 1-based): chr13:48,465,114, A>G. VCF-style: chr13-48465114-A-G. GRCh37 (hg19) VCF-style: chr13-49039250-A-G.
Other names: c.2325+3A>G (NM_001407165.1).
Identifiers: ClinVar variation 2565227 (VCV002565227.2), dbSNP rs2138345086, ClinGen allele CA2580614725.